The following is an entry in ClinVar:

NM_001378454.1(ALMS1):c.3440A>G (p.His1147Arg)

Gene: ALMS1 (ALMS1 centrosome and basal body associated protein; plus strand). Cytogenetic location: 2p13.1.
Variant type: single nucleotide variant.
Coding change: c.3440A>G on transcript NM_001378454.1 (MANE Select); coding-DNA position 3440, A replaced by G.
Protein change: p.His1147Arg; replaces histidine 1147 with arginine.
Molecular consequence: missense variant.
Genome position (GRCh38, 1-based): chr2:73,449,967, A>G. VCF-style: chr2-73449967-A-G. GRCh37 (hg19) VCF-style: chr2-73677094-A-G.
Other names: c.3443A>G, p.His1148Arg (NM_015120.4); short protein forms H1148R, H1147R.
Identifiers: ClinVar variation 4996498 (VCV004996498.1).

ClinVar aggregate classification (germline): Uncertain significance (1 of 4 stars; one submission).

Conditions:
ALMS1-related disorder. Also called: ALMS1-related condition.

gnomAD v4.1: 3 of 1,613,940 alleles (0.00019%); highest among the groups gnomAD compares: Non-Finnish European, 0.00025%; no homozygotes.

Submission:

PreventionGenetics, part of Exact Sciences
Classification: Uncertain significance for ALMS1-related condition. Last evaluated: 2026-01-02. Review status: criteria provided, single submitter. Criteria: ACMG Guidelines, 2015. Collection method: clinical testing. Allele origin: germline.
Comment: The ALMS1 c.3443A>G variant is predicted to result in the amino acid substitution p.Glu1148Gly. To our knowledge, this variant has not been reported in the literature or in a large population database (gnomAD), indicating this variant is rare. At this time, the clinical significance of this variant is uncertain due to the absence of conclusive functional and genetic evidence.